The following is an entry in ClinVar:

ClinVar aggregate classification (germline): Uncertain significance (1 of 4 stars; one submission).

Conditions:
Familial cold autoinflammatory syndrome 3 (FCAS3). Also called: FAMILIAL ATYPICAL COLD URTICARIA; ANTIBODY DEFICIENCY AND IMMUNE DYSREGULATION, PLCG2-ASSOCIATED. Identifiers: Orphanet 300359, MedGen C3280914, MONDO:0013766, OMIM 614468.

Submission:

Labcorp Genetics (formerly Invitae), Labcorp
Classification: Uncertain significance for Familial cold autoinflammatory syndrome 3. Last evaluated: 2020-06-22. Review status: criteria provided, single submitter. Criteria: Invitae Variant Classification Sherloc (09022015). Collection method: clinical testing. Allele origin: germline.
Comment: In summary, the available evidence is currently insufficient to determine the role of this variant in disease. Therefore, it has been classified as a Variant of Uncertain Significance. The current clinical and genetic evidence is not sufficient to establish whether loss-of-function variants in PLCG2 cause disease. Algorithms developed to predict the effect of sequence changes on RNA splicing suggest that this variant may disrupt the consensus splice site, but this prediction has not been confirmed by published transcriptional studies. This variant has not been reported in the literature in individuals with PLCG2-related conditions. This variant is not present in population databases (ExAC no frequency). This sequence change affects an acceptor splice site in intron 9 of the PLCG2 gene. It is expected to disrupt RNA splicing and likely results in an absent or disrupted protein product.

NM_002661.5(PLCG2):c.766-1G>A

Gene: PLCG2 (phospholipase C gamma 2; plus strand). Cytogenetic location: 16q23.3.
Variant type: single nucleotide variant.
Coding change: c.766-1G>A on transcript NM_002661.5 (MANE Select); the canonical splice acceptor site of the intron before coding-DNA position 766, G replaced by A.
Molecular consequence: splice acceptor variant.
Genome position (GRCh38, 1-based): chr16:81,889,171, G>A. VCF-style: chr16-81889171-G-A. GRCh37 (hg19) VCF-style: chr16-81922776-G-A.
Identifiers: ClinVar variation 1052734 (VCV001052734.7), dbSNP rs2143595100, ClinGen allele CA396897637.
Genomic context (GRCh38, chr16:81,889,171, plus strand): 5'-GAAATGAAGAATTTTATCAGTTCTCACTTTGCTGATCTCTCGTTCTCTTTGTCATTTTAA[G>A]GAGCATTGGGCTCAGGATCTGAACAAAGTCCGTGAGCGGATGACAAAGTTCATTGATGAC-3'